The following is an entry in ClinVar:

ClinVar aggregate classification (germline): Likely benign (1 of 4 stars; one submission).

Allele frequency attached by ClinVar (database versions not stated): gnomAD 0.00001; ExAC 0.00001; TOPMed 0.00001.
gnomAD v4.1: 8 of 1,570,512 alleles (0.00051%); highest among the groups gnomAD compares: Non-Finnish European, 0.0007%; no homozygotes.

Submission:

Women's Health and Genetics/Laboratory Corporation of America, LabCorp
Classification: Likely benign. Last evaluated: 2023-10-26. Review status: criteria provided, single submitter. Criteria: LabCorp Variant Classification Summary - May 2015. Collection method: clinical testing. Allele origin: germline.
Comment: Variant summary: PDE8B c.2129+17C>T alters a non-conserved nucleotide located at a position not widely known to affect splicing. Consensus agreement among computation tools predict no significant impact on normal splicing. However, these predictions have yet to be confirmed by functional studies. The variant allele was found at a frequency of 8.5e-06 in 234208 control chromosomes. The available data on variant occurrences in the general population are insufficient to allow any conclusion about variant significance. To our knowledge, no occurrence of c.2129+17C>T in individuals affected with PDE8B-Related Disorders and no experimental evidence demonstrating its impact on protein function have been reported. No submitters have cited clinical-significance assessments for this variant to ClinVar after 2014. Based on the evidence outlined above, the variant was classified as likely benign.

NM_003719.5(PDE8B):c.2129+17C>T

Gene: PDE8B (phosphodiesterase 8B; plus strand). Cytogenetic location: 5q13.3.
Variant type: single nucleotide variant.
Coding change: c.2129+17C>T on transcript NM_003719.5 (MANE Select); 17 bases into the intron after coding-DNA position 2129, C replaced by T.
Molecular consequence: intron variant.
Genome position (GRCh38, 1-based): chr5:77,418,463, C>T. VCF-style: chr5-77418463-C-T. GRCh37 (hg19) VCF-style: chr5-76714288-C-T.
Other names: c.1757+17C>T (NM_001414622.1, NM_001414623.1, NM_001349753.2 and 2 more transcripts); c.1889+17C>T (NM_001349750.3); c.1745+17C>T (NM_001376069.1); c.1826+17C>T (NM_001376062.1, NM_001376072.1); c.1685+17C>T (NM_001376070.1); c.1535+17C>T (NM_001376073.1); c.1823+17C>T (NM_001349752.3); c.1682+17C>T (NM_001376071.1); and 12 more.
Identifiers: ClinVar variation 2637492 (VCV002637492.1), dbSNP rs753537244, ClinGen allele CA3315413.